The following is an entry in ClinVar:

NM_000240.4(MAOA):c.385A>C (p.Arg129=)

Gene: MAOA (monoamine oxidase A; plus strand). Cytogenetic location: Xp11.3.
Variant type: single nucleotide variant.
Coding change: c.385A>C on transcript NM_000240.4 (MANE Select); coding-DNA position 385, A replaced by C.
Protein change: p.Arg129=; no amino-acid change (arginine 129 retained).
Molecular consequence: synonymous variant. On other transcripts: 5 prime UTR variant (1).
Genome position (GRCh38, 1-based): chrX:43,711,950, A>C. VCF-style: chrX-43711950-A-C. GRCh37 (hg19) VCF-style: chrX-43571197-A-C.
Other names: c.-15A>C (NM_001270458.2).
Identifiers: ClinVar variation 129585 (VCV000129585.25), dbSNP rs1800464, ClinGen allele CA153665.
Genomic context (GRCh38, chrX:43,711,950, plus strand): 5'-CGGGGCGCCTTTCCACCAGTATGGAATCCCATTGCATATTTGGATTACAATAATCTGTGG[A>C]GGACAATAGATAACATGGGGAAGGAGGTAAAATGTGTGTTCAGTTTGCACATGACCCATT-3'
Protein context (NP_000231.1, residues 119-139): IAYLDYNNLW[Arg129=]TIDNMGKEIP

ClinVar aggregate classification (germline): Benign. Review status: criteria provided, multiple submitters, no conflicts (2 of 4 stars). 6 submissions from 6 submitters: Benign (5). 1 of the submissions does not count toward it. Last evaluated 2026-01-28.

Conditions:
Inborn genetic diseases. Identifiers: MedGen C0950123, MeSH D030342.
Brunner syndrome (BRNRS). Identifiers: Orphanet 3057, MedGen C0796275, MONDO:0010379, OMIM 300615.

Allele frequency attached by ClinVar (database versions not stated): gnomAD exomes 0.06966; ExAC 0.07849; 1000 Genomes Project 0.15709; 1000 Genomes Project 30x 0.16337; gnomAD 0.16727 and 0.17743; TOPMed 0.18909; ESP Exome Variant Server 0.20742.
gnomAD v4.1: 76,739 of 1,199,692 alleles (6.4%); highest among the groups gnomAD compares: African/African-American, 50%; 6,092 homozygotes.

Submissions (6):

Labcorp Genetics (formerly Invitae), Labcorp
Classification: Benign for Brunner syndrome. Last evaluated: 2026-01-28. Review status: criteria provided, single submitter. Criteria: Invitae Variant Classification Sherloc (09022015). Collection method: clinical testing. Allele origin: germline.

Genome-Nilou Lab
Classification: Benign for Brunner syndrome. Last evaluated: 2021-09-05. Review status: criteria provided, single submitter. Criteria: ACMG Guidelines, 2015. Collection method: clinical testing. Allele origin: germline. Affected: no.

Ambry Genetics
Classification: Benign for Inborn genetic diseases. Last evaluated: 2015-07-12. Review status: criteria provided, single submitter. Criteria: Ambry Variant Classification Scheme 2023. Collection method: clinical testing. Allele origin: germline.

Eurofins Ntd Llc (ga)
Classification: Benign. Last evaluated: 2014-06-18. Review status: criteria provided, single submitter. Criteria: EGL Classification Definitions 2015. Collection method: clinical testing. Allele origin: germline. Observed: 1 variant allele, 1 hemizygote.

Breakthrough Genomics
Classification: Benign. Review status: criteria provided, single submitter. Criteria: ACMG Guidelines, 2015. Collection method: not provided. Allele origin: germline. Inheritance: X-linked inheritance. Affected: yes.

Genetic Services Laboratory, University of Chicago
Classification: Likely benign for AllHighlyPenetrant. Review status: no assertion criteria provided. Collection method: clinical testing. Allele origin: germline. Inheritance: X-linked inheritance. Not counted in ClinVar's aggregate classification.
Comment: Likely benign based on allele frequency in 1000 Genomes Project or ESP global frequency and its presence in a patient with a rare or unrelated disease phenotype. NOT Sanger confirmed.